The following is an entry in ClinVar:

ClinVar aggregate classification (germline): Likely benign (0 of 4 stars; one submission).

Conditions:
NUP160-related disorder. Also called: NUP160-related condition.

gnomAD v4.1: 164 of 1,614,154 alleles (0.01%); highest among the groups gnomAD compares: African/African-American, 0.13%; no homozygotes.

Submission:

PreventionGenetics, part of Exact Sciences
Classification: Likely benign for NUP160-related condition. Last evaluated: 2024-08-28. Review status: no assertion criteria provided. Collection method: clinical testing. Allele origin: germline.
Comment: This variant is classified as likely benign based on ACMG/AMP sequence variant interpretation guidelines (Richards et al. 2015 PMID: 25741868, with internal and published modifications).

NM_015231.3(NUP160):c.690A>G (p.Gln230=)

Gene: NUP160 (nucleoporin 160; minus strand). Cytogenetic location: 11p11.2.
Variant type: single nucleotide variant.
Coding change: c.690A>G on transcript NM_015231.3 (MANE Select); coding-DNA position 690, A replaced by G.
Protein change: p.Gln230=; no amino-acid change (glutamine 230 retained).
Molecular consequence: synonymous variant. On other transcripts: non-coding transcript variant (1).
Genome position (GRCh38, 1-based): chr11:47,837,580, T>C on the plus strand (A>G on the coding strand, the complement: NUP160 is on the minus strand). VCF-style: chr11-47837580-T-C. GRCh37 (hg19) VCF-style: chr11-47859132-T-C.
Identifiers: ClinVar variation 3352150 (VCV003352150.1).
Genomic context (GRCh38, chr11:47,837,580, plus strand): 5'-GATTTACCTGCCAGACACCACTCACCTGATAGCTGTTGGCATCCAGCCTGTAAGCAATCG[T>C]TGCATTACTGAACTCTGTTTCAGTTCCACGACTGACACCATACCTGCAATGATATCCAAG-3'
Protein context (NP_056046.2, residues 220-240): VVELKQSSVM[Gln230=]RLLTGWMPTA